The following is an entry in ClinVar:

ClinVar aggregate classification (germline): Uncertain significance (1 of 4 stars; one submission).

Conditions:
Neuropathy, hereditary sensory and autonomic, type 2A (HSAN2A). Also called: HSAN IIA; ACROOSTEOLYSIS, GIACCAI TYPE; ACROOSTEOLYSIS, NEUROGENIC; MORVAN DISEASE; NEUROPATHY, CONGENITAL SENSORY; NEUROPATHY, HEREDITARY SENSORY RADICULAR, AUTOSOMAL RECESSIVE. Identifiers: Orphanet 970, MedGen C2752089, MONDO:0024309, OMIM 201300.
Generalized epilepsy with febrile seizures plus, type 7 (GEFSP7). Also called: GEFS+, TYPE 7. Identifiers: Orphanet 36387, MedGen C2751778, MONDO:0013470, OMIM 613863.

gnomAD v4.1: 1 of 1,605,184 alleles (0.000062%); highest among the groups gnomAD compares: Admixed American, 0.0017%; no homozygotes.

Submission:

Labcorp Genetics (formerly Invitae), Labcorp
Classification: Uncertain significance for Neuropathy, hereditary sensory and autonomic, type 2A; Generalized epilepsy with febrile seizures plus, type 7. Last evaluated: 2024-09-12. Review status: criteria provided, single submitter. Criteria: Invitae Variant Classification Sherloc (09022015). Collection method: clinical testing. Allele origin: germline.
Comment: This sequence change replaces aspartic acid, which is acidic and polar, with glycine, which is neutral and non-polar, at codon 1219 of the SCN9A protein (p.Asp1219Gly). The frequency data for this variant in the population databases is considered unreliable, as metrics indicate poor data quality at this position in the gnomAD database. This variant has not been reported in the literature in individuals affected with SCN9A-related conditions. Invitae Evidence Modeling of protein sequence and biophysical properties (such as structural, functional, and spatial information, amino acid conservation, physicochemical variation, residue mobility, and thermodynamic stability) has been performed for this missense variant. However, the output from this modeling did not meet the statistical confidence thresholds required to predict the impact of this variant on SCN9A protein function. In summary, the available evidence is currently insufficient to determine the role of this variant in disease. Therefore, it has been classified as a Variant of Uncertain Significance.

NM_001365536.1(SCN9A):c.3689A>G (p.Asp1230Gly)

Genes: SCN1A-AS1 (SCN1A and SCN9A antisense RNA 1; plus strand), SCN9A (sodium voltage-gated channel alpha subunit 9; minus strand). Cytogenetic location: 2q24.3.
Variant type: single nucleotide variant.
Coding change: c.3689A>G on transcript NM_001365536.1 (MANE Select); coding-DNA position 3689, A replaced by G.
Protein change: p.Asp1230Gly; replaces aspartic acid 1230 with glycine.
Molecular consequence: missense variant.
Genome position (GRCh38, 1-based): chr2:166,238,206, T>C on the plus strand (A>G on the coding strand, the complement: SCN9A is on the minus strand). VCF-style: chr2-166238206-T-C. GRCh37 (hg19) VCF-style: chr2-167094716-T-C.
Other names: c.3656A>G, p.Asp1219Gly (NM_002977.4); short protein forms D1219G, D1230G.
Identifiers: ClinVar variation 3762461 (VCV003762461.2).